The following is an entry in ClinVar:

NM_001009944.3(PKD1):c.6360C>A (p.Tyr2120Ter)

Gene: PKD1 (polycystin 1, transient receptor potential channel interacting; minus strand). Cytogenetic location: 16p13.3.
Variant type: single nucleotide variant.
Coding change: c.6360C>A on transcript NM_001009944.3 (MANE Select); coding-DNA position 6360, C replaced by A.
Protein change: p.Tyr2120Ter; replaces tyrosine 2120 with a stop codon.
Molecular consequence: nonsense.
Genome position (GRCh38, 1-based): chr16:2,108,807, G>T on the plus strand (C>A on the coding strand, the complement: PKD1 is on the minus strand). VCF-style: chr16-2108807-G-T. GRCh37 (hg19) VCF-style: chr16-2158808-G-T.
Other names: c.6360C>A, p.Tyr2120Ter (NM_000296.4); short protein forms Y2120*.
Identifiers: ClinVar variation 3236771 (VCV003236771.1), dbSNP rs1404404094.

ClinVar aggregate classification (germline): Pathogenic (1 of 4 stars; one submission).

Conditions:
Polycystic kidney disease, adult type (PKD1). Also called: Polycystic Kidney Disease 1, Autosomal Dominant; Polycystic kidney disease 1; Polycystic kidney disease 1, severe; Polycystic Kidney, Autosomal Dominant; POLYCYSTIC KIDNEY DISEASE 1 WITH OR WITHOUT POLYCYSTIC LIVER DISEASE; POLYCYSTIC KIDNEY DISEASE, ADULT, TYPE I. Identifiers: MedGen C3149841, MONDO:0008263, OMIM 173900.

Submission:

MVZ Medizinische Genetik Mainz
Classification: Pathogenic for Polycystic kidney disease, adult type. Last evaluated: 2021-09-17. Review status: criteria provided, single submitter. Criteria: UK Practice Guidelines For Variant Classification V4 01 2020. Collection method: clinical testing. Allele origin: germline. Inheritance: Autosomal dominant inheritance. Observed: 1 variant allele.
Comment: ACMG Criteria: PVS1, PM2_SUP, PP4 (ACMG Version 3)